The following is an entry in ClinVar:

ClinVar aggregate classification (germline): Likely benign (1 of 4 stars; one submission).

Allele frequency attached by ClinVar (database versions not stated): ExAC 0.00001; TOPMed 0.00001.

Submission:

GeneDx
Classification: Likely benign. Last evaluated: 2018-02-26. Review status: criteria provided, single submitter. Criteria: GeneDx Variant Classification (06012015). Collection method: clinical testing. Allele origin: germline. Affected: yes.
Comment: This variant is considered likely benign or benign based on one or more of the following criteria: it is a conservative change, it occurs at a poorly conserved position in the protein, it is predicted to be benign by multiple in silico algorithms, and/or has population frequency not consistent with disease.

NM_003119.4(SPG7):c.1929C>T (p.Val643=)

Gene: SPG7 (SPG7 matrix AAA peptidase subunit, paraplegin; plus strand). Cytogenetic location: 16q24.3.
Variant type: single nucleotide variant.
Coding change: c.1929C>T on transcript NM_003119.4 (MANE Select); coding-DNA position 1929, C replaced by T.
Protein change: p.Val643=; no amino-acid change (valine 643 retained).
Molecular consequence: synonymous variant.
Genome position (GRCh38, 1-based): chr16:89,553,128, C>T. VCF-style: chr16-89553128-C-T. GRCh37 (hg19) VCF-style: chr16-89619536-C-T.
Other names: c.1929C>T, p.Val643= (NM_001363850.1).
Identifiers: ClinVar variation 515508 (VCV000515508.1), dbSNP rs746082965, ClinGen allele CA8244448.